The following is an entry in ClinVar:

NM_017491.5(WDR1):c.236C>A (p.Ser79Tyr)

Gene: WDR1 (WD repeat domain 1; minus strand). Cytogenetic location: 4p16.1.
Variant type: single nucleotide variant.
Coding change: c.236C>A on transcript NM_017491.5 (MANE Select); coding-DNA position 236, C replaced by A.
Protein change: p.Ser79Tyr; replaces serine 79 with tyrosine.
Molecular consequence: missense variant. On other transcripts: intron variant (1).
Genome position (GRCh38, 1-based): chr4:10,099,133, G>T on the plus strand (C>A on the coding strand, the complement: WDR1 is on the minus strand). VCF-style: chr4-10099133-G-T. GRCh37 (hg19) VCF-style: chr4-10100757-G-T.
Other names: c.139-10392C>A (NM_005112.5); short protein forms S79Y.
Identifiers: ClinVar variation 1522719 (VCV001522719.6), dbSNP rs1001170198, ClinGen allele CA356363945.
Genomic context (GRCh38, chr4:10,099,133, plus strand): 5'-TGGTACTCATACTTCAACAGGTGCTCCTTCTGCGTGGTATCCCAGATCCTCAGCTTCCCA[G>T]ACACATCTGTGGGGCACAGCGGGCGGGGGAGGGGGGGAGGCGGTGGTGGGGTAAAGGGCA-3'
Protein context (NP_059830.1, residues 69-89): SGFYIASGDV[Ser79Tyr]GKLRIWDTTQ

ClinVar aggregate classification (germline): Uncertain significance (1 of 4 stars; one submission).

Submission:

Labcorp Genetics (formerly Invitae), Labcorp
Classification: Uncertain significance. Last evaluated: 2021-10-04. Review status: criteria provided, single submitter. Criteria: Invitae Variant Classification Sherloc (09022015). Collection method: clinical testing. Allele origin: germline.
Comment: In summary, the available evidence is currently insufficient to determine the role of this variant in disease. Therefore, it has been classified as a Variant of Uncertain Significance. Algorithms developed to predict the effect of missense changes on protein structure and function are either unavailable or do not agree on the potential impact of this missense change (SIFT: "Deleterious"; PolyPhen-2: "Probably Damaging"; Align-GVGD: "Class C0"). This variant has not been reported in the literature in individuals affected with WDR1-related conditions. This variant is not present in population databases (ExAC no frequency). This sequence change replaces serine with tyrosine at codon 79 of the WDR1 protein (p.Ser79Tyr). The serine residue is highly conserved and there is a large physicochemical difference between serine and tyrosine.